The following is an entry in ClinVar:

NM_001278064.2(GRM1):c.224G>A (p.Gly75Asp)

Gene: GRM1 (glutamate metabotropic receptor 1; plus strand). Cytogenetic location: 6q24.3.
Variant type: single nucleotide variant.
Coding change: c.224G>A on transcript NM_001278064.2 (MANE Select); coding-DNA position 224, G replaced by A.
Protein change: p.Gly75Asp; replaces glycine 75 with aspartic acid.
Molecular consequence: missense variant.
Genome position (GRCh38, 1-based): chr6:146,029,741, G>A. VCF-style: chr6-146029741-G-A. GRCh37 (hg19) VCF-style: chr6-146350877-G-A.
Other names: c.224G>A, p.Gly75Asp (NM_001278065.2, NM_001278066.1, NM_001278067.1); short protein forms G75D.
Identifiers: ClinVar variation 2443498 (VCV002443498.1), dbSNP rs2482536335, ClinGen allele CA365957717.

ClinVar aggregate classification (germline): Uncertain significance (1 of 4 stars; one submission).

Allele frequency attached by ClinVar (database versions not stated): gnomAD exomes below 0.00001.
gnomAD v4.1: 1 of 1,614,008 alleles (0.000062%); highest among the groups gnomAD compares: Non-Finnish European, 0.000085%; no homozygotes.

Submission:

GeneDx
Classification: Uncertain significance. Last evaluated: 2022-09-07. Review status: criteria provided, single submitter. Criteria: GeneDx Variant Classification Process June 2021. Collection method: clinical testing. Allele origin: germline. Affected: yes.
Comment: Not observed at significant frequency in large population cohorts (gnomAD); In silico analysis supports that this missense variant has a deleterious effect on protein structure/function; Has not been previously published as pathogenic or benign to our knowledge